The following is an entry in ClinVar:

NM_024537.4(CARS2):c.1059C>G (p.Ile353Met)

Gene: CARS2 (cysteinyl-tRNA synthetase 2, mitochondrial; minus strand). Cytogenetic location: 13q34.
Variant type: single nucleotide variant.
Coding change: c.1059C>G on transcript NM_024537.4 (MANE Select); coding-DNA position 1059, C replaced by G.
Protein change: p.Ile353Met; replaces isoleucine 353 with methionine.
Molecular consequence: missense variant. On other transcripts: non-coding transcript variant (2).
Genome position (GRCh38, 1-based): chr13:110,647,235, G>C on the plus strand (C>G on the coding strand, the complement: CARS2 is on the minus strand). VCF-style: chr13-110647235-G-C. GRCh37 (hg19) VCF-style: chr13-111299582-G-C.
Other names: c.273C>G, p.Ile91Met (NM_001352252.2); short protein forms I353M, I91M.
Identifiers: ClinVar variation 1396279 (VCV001396279.8), dbSNP rs200079151, ClinGen allele CA388744415.

ClinVar aggregate classification (germline): Uncertain significance (1 of 4 stars; one submission).

Conditions:
Combined oxidative phosphorylation defect type 27. Also called: Combined oxidative phosphorylation deficiency 27. Identifiers: Orphanet 477774, MedGen C5567608, MONDO:0014728, OMIM 616672.

Submission:

Labcorp Genetics (formerly Invitae), Labcorp
Classification: Uncertain significance for Combined oxidative phosphorylation defect type 27. Last evaluated: 2020-12-15. Review status: criteria provided, single submitter. Criteria: Invitae Variant Classification Sherloc (09022015). Collection method: clinical testing. Allele origin: germline.
Comment: In summary, the available evidence is currently insufficient to determine the role of this variant in disease. Therefore, it has been classified as a Variant of Uncertain Significance. Algorithms developed to predict the effect of missense changes on protein structure and function output the following: SIFT: "Tolerated"; PolyPhen-2: "Possibly Damaging"; Align-GVGD: "Class C0". The methionine amino acid residue is found in multiple mammalian species, suggesting that this missense change does not adversely affect protein function. These predictions have not been confirmed by published functional studies and their clinical significance is uncertain. This variant has not been reported in the literature in individuals with CARS2-related conditions. This variant is not present in population databases (ExAC no frequency). This sequence change replaces isoleucine with methionine at codon 353 of the CARS2 protein (p.Ile353Met). The isoleucine residue is moderately conserved and there is a small physicochemical difference between isoleucine and methionine.